The following is an entry in ClinVar:

NM_001009944.3(PKD1):c.6147_6148del (p.Asn2050fs)

Gene: PKD1 (polycystin 1, transient receptor potential channel interacting; minus strand). Cytogenetic location: 16p13.3.
Variant type: Microsatellite.
Coding change: c.6147_6148del on transcript NM_001009944.3 (MANE Select); coding-DNA positions 6147 to 6148, 2 bases deleted (GA; older notation c.6147_6148delGA).
Protein change: p.Asn2050fs; shifts the reading frame from asparagine 2050.
Molecular consequence: frameshift variant.
Genome position (GRCh38, 1-based): chr16:2,109,019-2,109,020, TC deleted on the plus strand (GA on the coding strand, the reverse complement: PKD1 is on the minus strand); deleting any 2 consecutive bases within chr16:2,109,019-2,109,022 gives the same sequence; the c. name uses the placement nearest the transcript's 3' end. VCF-style (leftmost placement, unchanged base first): chr16-2109018-TTC-T. GRCh37 (hg19) VCF-style: chr16-2159019-TTC-T.
Other names: c.6147_6148del, p.Asn2050fs (NM_000296.4); short protein forms N2050fs.
Identifiers: ClinVar variation 997124 (VCV000997124.1), dbSNP rs2092433535, ClinGen allele CA2202045991.

ClinVar aggregate classification (germline): Pathogenic (0 of 4 stars; one submission).

Conditions:
Polycystic kidney disease. Also called: Polycystic kidney dysplasia; Kidney, Polycystic. Identifiers: MedGen C0022680, MeSH D007690, MONDO:0020642, HP:0000113.

Submission:

Department of Pathology and Laboratory Medicine, Sinai Health System
Classification: Pathogenic for Polycystic Kidney disease. Review status: no assertion criteria provided. Collection method: clinical testing. Allele origin: unknown. Affected: yes. Study: The Canadian Open Genetics Repository (COGR).
Comment: The PKD1 p.Asn2050ProfsX30 variant was not identified in the literature, nor was it identified in dbSNP, the 1000 Genomes Project, the NHLBI Exome Sequencing Project, the Exome Aggregation Consortium, the genome aggregation consortium, GeneInsight COGR, ClinVar, Clinvitae, MutDB, ADPKD Mutation Database or PKD1-LOVD, or PKD1-LOVD 3.0. The c.6147_6148delGA variant is predicted to cause a frameshift, which alters the protein amino acid sequence beginning at codon 2050 and leads to a premature stop codon 30 codons downstream. This alteration is then predicted to result in a truncated or absent protein and loss of function. Loss of function variants of the PKD1 gene are an established mechanism of disease in autosomal dominant polycystic kidney disease and is the type of variant expected to cause the disorder. In summary, based on the above information, this variant meets our laboratoryâ€šÃ„Ã´s criteria to be classified as pathogenic.